The following is an entry in ClinVar:

NM_001206927.2(DNAH8):c.11581G>C (p.Glu3861Gln)

Genes: DNAH8 (dynein axonemal heavy chain 8; plus strand), DNAH8-AS1 (DNAH8 antisense RNA 1; minus strand). Cytogenetic location: 6p21.2.
Variant type: single nucleotide variant.
Coding change: c.11581G>C on transcript NM_001206927.2 (MANE Select); coding-DNA position 11581, G replaced by C.
Protein change: p.Glu3861Gln; replaces glutamic acid 3861 with glutamine.
Molecular consequence: missense variant.
Genome position (GRCh38, 1-based): chr6:38,937,991, G>C. VCF-style: chr6-38937991-G-C. GRCh37 (hg19) VCF-style: chr6-38905767-G-C.
Other names: c.10930G>C, p.Glu3644Gln (NM_001371.4); short protein forms E3644Q, E3861Q.
Identifiers: ClinVar variation 1053022 (VCV001053022.9), dbSNP rs1219964235, ClinGen allele CA364020016.

ClinVar aggregate classification (germline): Uncertain significance (1 of 4 stars; one submission).

Conditions:
Primary ciliary dyskinesia. Also called: Ciliary dyskinesia. Identifiers: Orphanet 244, MedGen C0008780, MONDO:0016575, HP:0012265.

Allele frequency attached by ClinVar (database versions not stated): gnomAD 0.00001.
gnomAD v4.1: 1 of 1,613,502 alleles (0.000062%); highest among the groups gnomAD compares: African/African-American, 0.0013%; no homozygotes.

Submission:

Labcorp Genetics (formerly Invitae), Labcorp
Classification: Uncertain significance for Primary ciliary dyskinesia. Last evaluated: 2022-06-13. Review status: criteria provided, single submitter. Criteria: Invitae Variant Classification Sherloc (09022015). Collection method: clinical testing. Allele origin: germline.
Comment: In summary, the available evidence is currently insufficient to determine the role of this variant in disease. Therefore, it has been classified as a Variant of Uncertain Significance. Algorithms developed to predict the effect of missense changes on protein structure and function are either unavailable or do not agree on the potential impact of this missense change (SIFT: "Tolerated"; PolyPhen-2: "Not Available"; Align-GVGD: "Class C0"). ClinVar contains an entry for this variant (Variation ID: 1053022). This variant has not been reported in the literature in individuals affected with DNAH8-related conditions. This variant is not present in population databases (gnomAD no frequency). This sequence change replaces glutamic acid, which is acidic and polar, with glutamine, which is neutral and polar, at codon 3861 of the DNAH8 protein (p.Glu3861Gln).